The following is an entry in ClinVar:

NM_004369.4(COL6A3):c.6477C>T (p.Asn2159=)

Gene: COL6A3 (collagen type VI alpha 3 chain; minus strand). Cytogenetic location: 2q37.3.
Variant type: single nucleotide variant.
Coding change: c.6477C>T on transcript NM_004369.4 (MANE Select); coding-DNA position 6477, C replaced by T.
Protein change: p.Asn2159=; no amino-acid change (asparagine 2159 retained).
Molecular consequence: synonymous variant.
Genome position (GRCh38, 1-based): chr2:237,357,877, G>A on the plus strand (C>T on the coding strand, the complement: COL6A3 is on the minus strand). VCF-style: chr2-237357877-G-A. GRCh37 (hg19) VCF-style: chr2-238266520-G-A.
Other names: p.Asn2159=; c.4656C>T, p.Asn1552= (NM_057166.5); c.5859C>T, p.Asn1953= (NM_057167.4).
Identifiers: ClinVar variation 510007 (VCV000510007.13), dbSNP rs149697986, ClinGen allele CA2188251.

ClinVar aggregate classification (germline): Likely benign. Review status: criteria provided, multiple submitters, no conflicts (2 of 4 stars). 3 submissions from 3 submitters: Likely benign (3). Last evaluated 2025-12-09.

Conditions:
Bethlem myopathy 1A. Also called: MYOPATHY, BENIGN CONGENITAL, WITH CONTRACTURES; Bethlem myopathy 1; Bethlem Muscular Dystrophy. Identifiers: Orphanet 610, MedGen CN029274, MONDO:0024530, OMIM 158810.

Allele frequency attached by ClinVar (database versions not stated): gnomAD 0.00005 and 0.00006; TOPMed 0.00008; gnomAD exomes 0.00010; ExAC 0.00012; ESP Exome Variant Server 0.00038.

Submissions (3):

Labcorp Genetics (formerly Invitae), Labcorp
Classification: Likely benign for Bethlem myopathy 1A. Last evaluated: 2025-12-09. Review status: criteria provided, single submitter. Criteria: Invitae Variant Classification Sherloc (09022015). Collection method: clinical testing. Allele origin: germline.

Mayo Clinic Laboratories, Mayo Clinic
Classification: Likely benign. Last evaluated: 2025-03-27. Review status: criteria provided, single submitter. Criteria: ACMG Guidelines, 2015. Collection method: clinical testing. Allele origin: germline. Observed: 1 variant allele.
Comment: BP4, BP7

GeneDx
Classification: Likely benign. Last evaluated: 2017-06-07. Review status: criteria provided, single submitter. Criteria: GeneDx Variant Classification (06012015). Collection method: clinical testing. Allele origin: germline. Affected: yes.
Comment: This variant is considered likely benign or benign based on one or more of the following criteria: it is a conservative change, it occurs at a poorly conserved position in the protein, it is predicted to be benign by multiple in silico algorithms, and/or has population frequency not consistent with disease.